The following is an entry in ClinVar:

ClinVar aggregate classification (germline): Uncertain significance (1 of 4 stars; one submission).

Conditions:
Cenani-Lenz syndactyly syndrome. Also called: CENANI SYNDACTYLISM; SYNDACTYLY, TYPE VII. Identifiers: Orphanet 3258, MedGen C1859309, MONDO:0008931, OMIM 212780.
Sclerosteosis 2 (SOST2). Identifiers: Orphanet 3152, MedGen C3280402, MONDO:0013679, OMIM 614305.
Congenital myasthenic syndrome 17. Identifiers: Orphanet 590, MedGen C4225377, MONDO:0014578, OMIM 616304.

Submission:

Labcorp Genetics (formerly Invitae), Labcorp
Classification: Uncertain significance for Cenani-Lenz syndactyly syndrome; Sclerosteosis 2; Congenital myasthenic syndrome 17. Last evaluated: 2025-07-30. Review status: criteria provided, single submitter. Criteria: Invitae Variant Classification Sherloc (09022015). Collection method: clinical testing. Allele origin: germline.
Comment: This sequence change falls in intron 32 of the LRP4 gene. It does not directly change the encoded amino acid sequence of the LRP4 protein. It affects a nucleotide within the consensus splice site. This variant is not present in population databases (gnomAD no frequency). This variant has not been reported in the literature in individuals affected with LRP4-related conditions. Variants that disrupt the consensus splice site are a relatively common cause of aberrant splicing (PMID: 17576681, 9536098). Algorithms developed to predict the effect of sequence changes on RNA splicing suggest that this variant is not likely to affect RNA splicing. In summary, the available evidence is currently insufficient to determine the role of this variant in disease. Therefore, it has been classified as a Variant of Uncertain Significance.

Literature cited by the submitters: PubMed 17576681; PubMed 9536098.

NM_002334.4(LRP4):c.4837+4G>T

Genes: LRP4 (LDL receptor related protein 4; minus strand), LRP4-AS1 (LRP4 antisense RNA 1; plus strand). Cytogenetic location: 11p11.2.
Variant type: single nucleotide variant.
Coding change: c.4837+4G>T on transcript NM_002334.4 (MANE Select); 4 bases into the intron after coding-DNA position 4837, G replaced by T.
Molecular consequence: intron variant.
Genome position (GRCh38, 1-based): chr11:46,868,984, C>A on the plus strand (G>T on the coding strand, the complement: LRP4 is on the minus strand). VCF-style: chr11-46868984-C-A. GRCh37 (hg19) VCF-style: chr11-46890535-C-A.
Identifiers: ClinVar variation 4783949 (VCV004783949.1).
Genomic context (GRCh38, chr11:46,868,984, plus strand): 5'-TCCTTGGGTTGACCGACCAATCCCACAGATGTTAAGGAAGCAGGCTCAGTACCCGGGAGC[C>A]CACCTGTCTGCCGCTGAGGGGAAACCACGATGATATCCATGAGTCCTTCCACATTTGCCA-3'